The following is an entry in ClinVar:

ClinVar aggregate classification (germline): Uncertain significance (1 of 4 stars; one submission).

Conditions:
Inborn genetic diseases. Identifiers: MedGen C0950123, MeSH D030342.

Submission:

Ambry Genetics
Classification: Uncertain significance for Inborn genetic diseases. Last evaluated: 2024-12-16. Review status: criteria provided, single submitter. Criteria: Ambry Variant Classification Scheme 2023. Collection method: clinical testing. Allele origin: germline.
Comment: The p.P74A variant (also known as c.220C>G), located in coding exon 1 of the GATA2 gene, results from a C to G substitution at nucleotide position 220. The proline at codon 74 is replaced by alanine, an amino acid with highly similar properties. This amino acid position is conserved. In addition, the in silico prediction for this alteration is inconclusive. Based on the available evidence, the clinical significance of this variant remains unclear.

NM_032638.5(GATA2):c.220C>G (p.Pro74Ala)

Gene: GATA2 (GATA binding protein 2; minus strand). Cytogenetic location: 3q21.3.
Variant type: single nucleotide variant.
Coding change: c.220C>G on transcript NM_032638.5 (MANE Select); coding-DNA position 220, C replaced by G.
Protein change: p.Pro74Ala; replaces proline 74 with alanine.
Molecular consequence: missense variant.
Genome position (GRCh38, 1-based): chr3:128,486,812, G>C on the plus strand (C>G on the coding strand, the complement: GATA2 is on the minus strand). VCF-style: chr3-128486812-G-C. GRCh37 (hg19) VCF-style: chr3-128205655-G-C.
Other names: c.220C>G, p.Pro74Ala (NM_001145661.2, NM_001145662.1); short protein forms P74A.
Identifiers: ClinVar variation 3853004 (VCV003853004.1).